The following is an entry in ClinVar:

ClinVar aggregate classification (germline): Uncertain significance (1 of 4 stars; one submission).

gnomAD v4.1: 2 of 1,613,140 alleles (0.00012%); highest among the groups gnomAD compares: Non-Finnish European, 0.00017%; no homozygotes.

Submission:

Women's Health and Genetics/Laboratory Corporation of America, LabCorp
Classification: Uncertain significance. Last evaluated: 2025-09-08. Review status: criteria provided, single submitter. Criteria: LabCorp Variant Classification Summary - May 2015. Collection method: clinical testing. Allele origin: germline.
Comment: Variant summary: COL5A1 c.5036C>T (p.Thr1679Ile) results in a non-conservative amino acid change in the encoded protein sequence. Algorithms developed to predict the effect of missense changes on protein structure and function all suggest that this variant is likely to be disruptive. The variant was absent in 251392 control chromosomes. The available data on variant occurrences in the general population are insufficient to allow any conclusion about variant significance. To our knowledge, no occurrence of c.5036C>T in individuals affected with COL5A1-related conditions and no experimental evidence demonstrating its impact on protein function have been reported. No submitters have cited clinical-significance assessments for this variant to ClinVar. Based on the evidence outlined above, the variant was classified as uncertain significance.

NM_000093.5(COL5A1):c.5036C>T (p.Thr1679Ile)

Genes: COL5A1 (collagen type V alpha 1 chain; plus strand), LOC101448202 (uncharacterized LOC101448202; minus strand). Cytogenetic location: 9q34.3.
Variant type: single nucleotide variant.
Coding change: c.5036C>T on transcript NM_000093.5 (MANE Select); coding-DNA position 5036, C replaced by T.
Protein change: p.Thr1679Ile; replaces threonine 1679 with isoleucine.
Molecular consequence: missense variant.
Genome position (GRCh38, 1-based): chr9:134,825,873, C>T. VCF-style: chr9-134825873-C-T. GRCh37 (hg19) VCF-style: chr9-137717719-C-T.
Other names: c.5036C>T, p.Thr1679Ile (NM_001278074.1); short protein forms T1679I.
Identifiers: ClinVar variation 4535665 (VCV004535665.1).